The following is an entry in ClinVar:

ClinVar aggregate classification (germline): Pathogenic (1 of 4 stars; one submission).

Submission:

Labcorp Genetics (formerly Invitae), Labcorp
Classification: Pathogenic. Last evaluated: 2024-09-30. Review status: criteria provided, single submitter. Criteria: Invitae Variant Classification Sherloc (09022015). Collection method: clinical testing. Allele origin: germline.
Comment: This sequence change affects the initiator methionine of the TYRP1 mRNA. The next in-frame methionine is located at codon 40. This variant is not present in population databases (gnomAD no frequency). Disruption of the initiator codon has been observed in individual(s) with clinical features of TYRP1-related conditions (internal data). Algorithms developed to predict the effect of sequence changes on RNA splicing suggest that this variant may create or strengthen a splice site. This variant disrupts a region of the TYRP1 protein in which other variant(s) (p.Pro27Arg ) have been determined to be pathogenic (internal data). This suggests that this is a clinically significant region of the protein, and that variants that disrupt it are likely to be disease-causing. For these reasons, this variant has been classified as Pathogenic.

NM_000550.3(TYRP1):c.1A>G (p.Met1Val)

Gene: TYRP1 (tyrosinase related protein 1; plus strand). Cytogenetic location: 9p23.
Variant type: single nucleotide variant.
Coding change: c.1A>G on transcript NM_000550.3 (MANE Select); coding-DNA position 1, A replaced by G.
Protein change: p.Met1Val; changes the start codon (methionine 1).
Molecular consequence: missense variant, initiator codon variant.
Genome position (GRCh38, 1-based): chr9:12,693,997, A>G. VCF-style: chr9-12693997-A-G. GRCh37 (hg19) VCF-style: chr9-12693997-A-G.
Other names: short protein forms M1V.
Identifiers: ClinVar variation 3621094 (VCV003621094.2).